The following is an entry in ClinVar:

NM_053025.4(MYLK):c.5571A>G (p.Ile1857Met)

Genes: MYLK-AS1 (MYLK antisense RNA 1; plus strand), MYLK (myosin light chain kinase; minus strand). Cytogenetic location: 3q21.1.
Variant type: single nucleotide variant.
Coding change: c.5571A>G on transcript NM_053025.4 (MANE Select); coding-DNA position 5571, A replaced by G.
Protein change: p.Ile1857Met; replaces isoleucine 1857 with methionine.
Molecular consequence: missense variant.
Genome position (GRCh38, 1-based): chr3:123,614,279, T>C on the plus strand (A>G on the coding strand, the complement: MYLK is on the minus strand). VCF-style: chr3-123614279-T-C. GRCh37 (hg19) VCF-style: chr3-123333126-T-C.
Other names: c.5043A>G, p.Ile1681Met (NM_001321309.2); c.5364A>G, p.Ile1788Met (NM_053026.4); c.5418A>G, p.Ile1806Met (NM_053027.4); c.5211A>G, p.Ile1737Met (NM_053028.4); c.288A>G, p.Ile96Met (NM_053031.4); c.291A>G, p.Ile97Met (NM_053032.4); short protein forms I1857M, I1681M, I1788M, I1806M, I1737M, I96M, I97M.
Identifiers: ClinVar variation 3655275 (VCV003655275.2).

ClinVar aggregate classification (germline): Uncertain significance (1 of 4 stars; one submission).

Conditions:
Aortic aneurysm, familial thoracic 7 (AAT7). Also called: AORTIC DISSECTION, FAMILIAL, WITH OR WITHOUT AORTIC ANEURYSM. Identifiers: MedGen C3151077, MONDO:0013418, OMIM 613780.

gnomAD v4.1: 1 of 1,614,182 alleles (0.000062%); highest among the groups gnomAD compares: Non-Finnish European, 0.000085%; no homozygotes.

Submission:

Labcorp Genetics (formerly Invitae), Labcorp
Classification: Uncertain significance for Aortic aneurysm, familial thoracic 7. Last evaluated: 2024-06-02. Review status: criteria provided, single submitter. Criteria: Invitae Variant Classification Sherloc (09022015). Collection method: clinical testing. Allele origin: germline.
Comment: This sequence change replaces isoleucine, which is neutral and non-polar, with methionine, which is neutral and non-polar, at codon 1857 of the MYLK protein (p.Ile1857Met). This variant is not present in population databases (gnomAD no frequency). This variant has not been reported in the literature in individuals affected with MYLK-related conditions. Advanced modeling of protein sequence and biophysical properties (such as structural, functional, and spatial information, amino acid conservation, physicochemical variation, residue mobility, and thermodynamic stability) performed at Invitae indicates that this missense variant is not expected to disrupt MYLK protein function with a negative predictive value of 80%. In summary, the available evidence is currently insufficient to determine the role of this variant in disease. Therefore, it has been classified as a Variant of Uncertain Significance.